The following is an entry in ClinVar:

ClinVar aggregate classification (germline): Pathogenic (1 of 4 stars; one submission).

Conditions:
Neurofibromatosis, type 1 (NF1). Also called: VON RECKLINGHAUSEN DISEASE; NEUROFIBROMATOSIS, TYPE I, SOMATIC; Peripheral type neurofibromatosis; Neurofibromatosis, type I. Identifiers: Orphanet 636, MedGen C0027831, MONDO:0018975, OMIM 162200. Disease mechanism: loss of function.

Submission:

Labcorp Genetics (formerly Invitae), Labcorp
Classification: Pathogenic for Neurofibromatosis, type 1. Last evaluated: 2023-09-04. Review status: criteria provided, single submitter. Criteria: Invitae Variant Classification Sherloc (09022015). Collection method: clinical testing. Allele origin: germline.
Comment: This variant is not present in population databases (gnomAD no frequency). For these reasons, this variant has been classified as Pathogenic. This variant has not been reported in the literature in individuals affected with NF1-related conditions. This sequence change creates a premature translational stop signal (p.Met376*) in the NF1 gene. It is expected to result in an absent or disrupted protein product. Loss-of-function variants in NF1 are known to be pathogenic (PMID: 10712197, 23913538).

Literature cited by the submitters: PubMed 10712197; PubMed 23913538.

NM_001042492.3(NF1):c.1126del (p.Leu375_Met376insTer)

Gene: NF1 (neurofibromin 1; plus strand). Cytogenetic location: 17q11.2.
Variant type: Deletion.
Coding change: c.1126del on transcript NM_001042492.3 (MANE Select); coding-DNA position 1126, one base deleted (A; older notation c.1126delA).
Protein change: p.Leu375_Met376insTer.
Molecular consequence: nonsense. On other transcripts: frameshift variant (1).
Genome position (GRCh38, 1-based): chr17:31,201,100, A deleted; the last of 2 consecutive A bases (chr17:31,201,099-31,201,100); deleting either gives the same sequence. VCF-style (leftmost placement, unchanged base first): chr17-31201098-TA-T. GRCh37 (hg19) VCF-style: chr17-29528116-TA-T.
Other names: c.1126delA, p.Met376Terfs (NM_000267.4); c.1126del, p.Leu375_Met376insTer (NM_001128147.3).
Identifiers: ClinVar variation 2757990 (VCV002757990.3), dbSNP rs2143879509, ClinGen allele CA2697559695.
Genomic context (GRCh38, chr17:31,201,098, plus strand): 5'-ACCTGCTTTTTAATCCAAGTAAGCCATTCTCAAGAGGCAGTCAGCCTGCAGATGTGGATC[TA>T]ATGATTGACTGCCTTGTTTCTTGCTTTCGTATAAGCCCTCACAACAACCAACACTTTAAG-3'